The following is an entry in ClinVar:

NM_013275.6(ANKRD11):c.6298_6299dup (p.Asn2100fs)

Gene: ANKRD11 (ankyrin repeat domain 11; minus strand). Cytogenetic location: 16q24.3.
Variant type: Duplication.
Coding change: c.6298_6299dup on transcript NM_013275.6 (MANE Select); coding-DNA positions 6298 to 6299, 2 bases duplicated (AA; older notation c.6298_6299dupAA).
Protein change: p.Asn2100fs; shifts the reading frame from asparagine 2100.
Molecular consequence: frameshift variant.
Genome position (GRCh38, 1-based): chr16:89,280,243-89,280,244, TT duplicated on the plus strand (AA on the coding strand, the reverse complement: ANKRD11 is on the minus strand); duplicating any 2 consecutive bases within chr16:89,280,243-89,280,246 gives the same sequence; the c. name uses the placement nearest the transcript's 3' end. VCF-style (leftmost placement, unchanged base first): chr16-89280242-A-ATT. GRCh37 (hg19) VCF-style: chr16-89346650-A-ATT.
Other names: c.6298_6299dup, p.Asn2100fs (NM_001256182.2, NM_001256183.2); short protein forms N2100fs.
Identifiers: ClinVar variation 2761432 (VCV002761432.3), dbSNP rs2544223027, ClinGen allele CA2697556041.

ClinVar aggregate classification (germline): Pathogenic (1 of 4 stars; one submission).

Conditions:
KBG syndrome (KBGS). Also called: ANKRD11-Related KBG Syndrome. Identifiers: Orphanet 2332, MedGen C0220687, MONDO:0007846, OMIM 148050.

Submission:

Labcorp Genetics (formerly Invitae), Labcorp
Classification: Pathogenic for KBG syndrome. Last evaluated: 2023-09-27. Review status: criteria provided, single submitter. Criteria: Invitae Variant Classification Sherloc (09022015). Collection method: clinical testing. Allele origin: germline.
Comment: This sequence change creates a premature translational stop signal (p.Asn2100Lysfs*76) in the ANKRD11 gene. It is expected to result in an absent or disrupted protein product. Loss-of-function variants in ANKRD11 are known to be pathogenic (PMID: 21782149, 25125236, 25413698, 25652421). This variant is not present in population databases (gnomAD no frequency). This variant has not been reported in the literature in individuals affected with ANKRD11-related conditions. For these reasons, this variant has been classified as Pathogenic.

Literature cited by the submitters: PubMed 21782149; PubMed 25125236; PubMed 25413698; PubMed 25652421.